The following is an entry in ClinVar:

NM_001003800.2(BICD2):c.2056A>G (p.Lys686Glu)

Gene: BICD2 (BICD cargo adaptor 2; minus strand). Cytogenetic location: 9q22.31.
Variant type: single nucleotide variant.
Coding change: c.2056A>G on transcript NM_001003800.2 (MANE Select); coding-DNA position 2056, A replaced by G.
Protein change: p.Lys686Glu; replaces lysine 686 with glutamic acid.
Molecular consequence: missense variant.
Genome position (GRCh38, 1-based): chr9:92,718,589, T>C on the plus strand (A>G on the coding strand, the complement: BICD2 is on the minus strand). VCF-style: chr9-92718589-T-C. GRCh37 (hg19) VCF-style: chr9-95480871-T-C.
Other names: c.2056A>G, p.Lys686Glu (NM_015250.4); short protein forms K686E.
Identifiers: ClinVar variation 4813696 (VCV004813696.1).
Genomic context (GRCh38, chr9:92,718,589, plus strand): 5'-GGCACCTCACCTGCTTGTTGGCCTTGAGCACAGTGCGCAGCGTGGTGATCTGCTCCCGCT[T>C]GGTGCTGAGCAGCGACTTCAGCTTGAGGATCTCCTCCATAAGCGCTTCCTTGTCCTTGTC-3'
Protein context (NP_001003800.1, residues 676-696): ILKLKSLLST[Lys686Glu]REQITTLRTV

ClinVar aggregate classification (germline): Likely pathogenic (1 of 4 stars; one submission).

Conditions:
Spinal muscular atrophy, lower extremity-predominant, 2b, prenatal onset, autosomal dominant. Also called: Spinal muscular atrophy, lower extremity-predominant, 2B, autosomal dominant. Identifiers: MedGen C4749003, MONDO:0032660, OMIM 618291.

Submission:

Variantyx, Inc.
Classification: Likely pathogenic for Spinal muscular atrophy, lower extremity-predominant, 2b, prenatal onset, autosomal dominant. Last evaluated: 2026-01-23. Review status: criteria provided, single submitter. Criteria: Variantyx Assertion Criteria 2022. Collection method: clinical testing. Allele origin: germline. Inheritance: Autosomal recessive inheritance. Affected: yes.
Comment: This is a nonsynonymous variant in the BICD2 gene (OMIM: 609797). Pathogenic variants in this gene have been associated with autosomal dominant prenatal-onset lower extremity-predominant spinal muscular atrophy 2B. The clinical symptoms reported for this proband are highly specific for autosomal dominant prenatal-onset lower extremity-predominant spinal muscular atrophy 2B, which has a limited genetic etiology (PMID: 37173812, 27751653) (PP4). Computational algorithms produce conflicting evidence regarding the predicted functional impact of this variant (REVEL score: 0.549). This variant is absent from control populations (PM2) and has not been reported in individuals with BICD2-related disorders in the databases available for review. Based on the current evidence, this variant is classified as likely pathogenic for autosomal dominant prenatal-onset lower extremity-predominant spinal muscular atrophy 2B.

Literature cited by the submitters: PubMed 37173812; PubMed 27751653.